The following is an entry in ClinVar:

NM_001271.4(CHD2):c.4897del (p.Ser1633fs)

Gene: CHD2 (chromodomain helicase DNA binding protein 2; plus strand). Cytogenetic location: 15q26.1.
Variant type: Deletion.
Coding change: c.4897del on transcript NM_001271.4 (MANE Select); coding-DNA position 4897, one base deleted (A; older notation c.4897delA).
Protein change: p.Ser1633fs; shifts the reading frame from serine 1633.
Molecular consequence: frameshift variant.
Genome position (GRCh38, 1-based): chr15:93,014,900, A deleted. VCF-style (leftmost placement, unchanged base first): chr15-93014899-CA-C. GRCh37 (hg19) VCF-style: chr15-93558129-CA-C.
Other names: short protein forms S1633fs.
Identifiers: ClinVar variation 846058 (VCV000846058.8), dbSNP rs2054438416, ClinGen allele CA916083451.

ClinVar aggregate classification (germline): Uncertain significance (1 of 4 stars; one submission).

Conditions:
Developmental and epileptic encephalopathy 94 (DEE94). Also called: Epileptic encephalopathy, childhood-onset; CHD2-Related Neurodevelopmental Disorders. Identifiers: Orphanet 1942, Orphanet 2382, MedGen C3809278, MONDO:0014150, OMIM 615369.

Submission:

Labcorp Genetics (formerly Invitae), Labcorp
Classification: Uncertain significance for Developmental and epileptic encephalopathy 94. Last evaluated: 2019-03-05. Review status: criteria provided, single submitter. Criteria: Invitae Variant Classification Sherloc (09022015). Collection method: clinical testing. Allele origin: germline.
Comment: In summary, the available evidence is currently insufficient to determine the role of this variant in disease. Therefore, it has been classified as a Variant of Uncertain Significance. Experimental studies and prediction algorithms are not available for this variant, and the functional significance of the affected amino acid(s) is currently unknown. This variant has not been reported in the literature in individuals with CHD2-related conditions. This variant is not present in population databases (ExAC no frequency). This sequence change results in a premature translational stop signal in the CHD2 gene (p.Ser1633Valfs*181). While this is not anticipated to result in nonsense mediated decay, it is expected to disrupt the last 196 amino acids of the CHD2 protein.